The following is an entry in ClinVar:

NM_021831.6(AGBL5):c.2581T>C (p.Tyr861His)

Gene: AGBL5 (AGBL carboxypeptidase 5; plus strand). Cytogenetic location: 2p23.3.
Variant type: single nucleotide variant.
Coding change: c.2581T>C on transcript NM_021831.6 (MANE Select); coding-DNA position 2581, T replaced by C.
Protein change: p.Tyr861His; replaces tyrosine 861 with histidine.
Molecular consequence: missense variant. On other transcripts: non-coding transcript variant (2).
Genome position (GRCh38, 1-based): chr2:27,070,183, T>C. VCF-style: chr2-27070183-T-C. GRCh37 (hg19) VCF-style: chr2-27293051-T-C.
Other names: short protein forms Y861H.
Identifiers: ClinVar variation 1424137 (VCV001424137.6), dbSNP rs771435305, ClinGen allele CA1568306.

ClinVar aggregate classification (germline): Uncertain significance (1 of 4 stars; one submission).

Allele frequency attached by ClinVar (database versions not stated): gnomAD exomes below 0.00001 and 0.00001; ExAC 0.00001; gnomAD 0.00001; TOPMed 0.00001.
gnomAD v4.1: 8 of 1,614,116 alleles (0.0005%); highest among the groups gnomAD compares: Non-Finnish European, 0.00059%; no homozygotes.

Submission:

Labcorp Genetics (formerly Invitae), Labcorp
Classification: Uncertain significance. Last evaluated: 2022-10-03. Review status: criteria provided, single submitter. Criteria: Invitae Variant Classification Sherloc (09022015). Collection method: clinical testing. Allele origin: germline.
Comment: Algorithms developed to predict the effect of missense changes on protein structure and function output the following: SIFT: "Deleterious"; PolyPhen-2: "Benign"; Align-GVGD: "Class C0". The histidine amino acid residue is found in multiple mammalian species, which suggests that this missense change does not adversely affect protein function. In summary, the available evidence is currently insufficient to determine the role of this variant in disease. Therefore, it has been classified as a Variant of Uncertain Significance. ClinVar contains an entry for this variant (Variation ID: 1424137). This variant has not been reported in the literature in individuals affected with AGBL5-related conditions. This variant is present in population databases (rs771435305, gnomAD 0.002%). This sequence change replaces tyrosine, which is neutral and polar, with histidine, which is basic and polar, at codon 861 of the AGBL5 protein (p.Tyr861His).